The following is an entry in ClinVar:

ClinVar aggregate classification (germline): Likely benign (1 of 4 stars; one submission).

gnomAD v4.1: 46 of 1,604,138 alleles (0.0029%); highest among the groups gnomAD compares: Non-Finnish European, 0.0038%; no homozygotes.

Submission:

CeGaT Center for Human Genetics Tuebingen
Classification: Likely benign. Last evaluated: 2025-01-01. Review status: criteria provided, single submitter. Criteria: CeGaT Center For Human Genetics Tuebingen Variant Classification Criteria Version 2. Collection method: clinical testing. Allele origin: germline. Affected: yes. Observed: 1 variant allele.
Comment: DPP9: BP4, BP7

NM_139159.5(DPP9):c.846C>T (p.Phe282=)

Gene: DPP9 (dipeptidyl peptidase 9; minus strand). Cytogenetic location: 19p13.3.
Variant type: single nucleotide variant.
Coding change: c.846C>T on transcript NM_139159.5 (MANE Select); coding-DNA position 846, C replaced by T.
Protein change: p.Phe282=; no amino-acid change (phenylalanine 282 retained).
Molecular consequence: synonymous variant. On other transcripts: non-coding transcript variant (11).
Genome position (GRCh38, 1-based): chr19:4,702,640, G>A on the plus strand (C>T on the coding strand, the complement: DPP9 is on the minus strand). VCF-style: chr19-4702640-G-A. GRCh37 (hg19) VCF-style: chr19-4702652-G-A.
Other names: c.846C>T, p.Phe282= (NM_001365987.2, NM_001384611.1, NM_001384612.1 and 18 more transcripts); c.813C>T, p.Phe271= (NM_001384619.1); c.759C>T, p.Phe253= (NM_001384623.1, NM_001384624.1, NM_001384625.1 and 4 more transcripts).
Identifiers: ClinVar variation 3771399 (VCV003771399.13).